The following is an entry in ClinVar:

NM_019066.5(MAGEL2):c.271C>T (p.Pro91Ser)

Gene: MAGEL2 (MAGE family member L2; minus strand). Cytogenetic location: 15q11.2.
Variant type: single nucleotide variant.
Coding change: c.271C>T on transcript NM_019066.5 (MANE Select); coding-DNA position 271, C replaced by T.
Protein change: p.Pro91Ser; replaces proline 91 with serine.
Molecular consequence: missense variant.
Genome position (GRCh38, 1-based): chr15:23,647,472, G>A on the plus strand (C>T on the coding strand, the complement: MAGEL2 is on the minus strand). VCF-style: chr15-23647472-G-A. GRCh37 (hg19) VCF-style: chr15-23892619-G-A.
Other names: c.271C>T (NM_019066.4); short protein forms P91S.
Identifiers: ClinVar variation 1914555 (VCV001914555.6), dbSNP rs895898937, ClinGen allele CA267661733.
Genomic context (GRCh38, chr15:23,647,472, plus strand): 5'-GCACCATCAGGACCCCGGGAGTCGGAGGCTTACCCATCGGGCCCCCCAGCGGGGGAGCCG[G>A]GACTATCGGGCCCCCTAGGGCAGGAGGCTGGGTCATCGGAACCACCGGGGCGGGCAGCTG-3'
Protein context (NP_061939.3, residues 81-101): QPPALGGPIV[Pro91Ser]APPLGGPMGK

ClinVar aggregate classification (germline): Uncertain significance. Review status: criteria provided, single submitter (1 of 4 stars). 2 submissions from 2 submitters: Uncertain significance (1). 1 of the submissions does not count toward it. Last evaluated 2024-07-01.

Conditions:
MAGEL2-related disorder. Also called: MAGEL2-related condition.

Allele frequency attached by ClinVar (database versions not stated): TOPMed below 0.00001; gnomAD exomes 0.00001.

Submissions (2):

Labcorp Genetics (formerly Invitae), Labcorp
Classification: Uncertain significance. Last evaluated: 2024-07-01. Review status: criteria provided, single submitter. Criteria: Invitae Variant Classification Sherloc (09022015). Collection method: clinical testing. Allele origin: germline.
Comment: This sequence change replaces proline, which is neutral and non-polar, with serine, which is neutral and polar, at codon 91 of the MAGEL2 protein (p.Pro91Ser). This variant is present in population databases (no rsID available, gnomAD 0.02%). This variant has not been reported in the literature in individuals affected with MAGEL2-related conditions. ClinVar contains an entry for this variant (Variation ID: 1914555). Experimental studies and prediction algorithms are not available or were not evaluated, and the functional significance of this variant is currently unknown. In summary, the available evidence is currently insufficient to determine the role of this variant in disease. Therefore, it has been classified as a Variant of Uncertain Significance.

PreventionGenetics, part of Exact Sciences
Classification: Uncertain significance for MAGEL2-related condition. Last evaluated: 2024-03-25. Review status: no assertion criteria provided. Collection method: clinical testing. Allele origin: germline. Not counted in ClinVar's aggregate classification.
Comment: The MAGEL2 c.271C>T variant is predicted to result in the amino acid substitution p.Pro91Ser. To our knowledge, this variant has not been reported in the literature. This variant is reported in 0.017% of alleles in individuals of Latino descent in gnomAD. At this time, the clinical significance of this variant is uncertain due to the absence of conclusive functional and genetic evidence.